The following is an entry in ClinVar:

ClinVar aggregate classification (germline): Uncertain significance. Review status: criteria provided, multiple submitters, no conflicts (2 of 4 stars). 2 submissions from 2 submitters: Uncertain significance (2). Last evaluated 2024-06-24.

Conditions:
Apparent mineralocorticoid excess (AME). Also called: CORTISOL 11-BETA-KETOREDUCTASE DEFICIENCY. Identifiers: Orphanet 320, MedGen C0342488, MONDO:0009025, OMIM 218030.

Allele frequency attached by ClinVar (database versions not stated): gnomAD 0.00001; gnomAD exomes 0.00001; TOPMed 0.00001.
gnomAD v4.1: 12 of 1,613,514 alleles (0.00074%); highest among the groups gnomAD compares: African/African-American, 0.0067%; no homozygotes.

Submissions (2):

Labcorp Genetics (formerly Invitae), Labcorp
Classification: Uncertain significance. Last evaluated: 2024-06-24. Review status: criteria provided, single submitter. Criteria: Invitae Variant Classification Sherloc (09022015). Collection method: clinical testing. Allele origin: germline.
Comment: This sequence change replaces arginine, which is basic and polar, with tryptophan, which is neutral and slightly polar, at codon 333 of the HSD11B2 protein (p.Arg333Trp). This variant is present in population databases (no rsID available, gnomAD 0.006%). This variant has not been reported in the literature in individuals affected with HSD11B2-related conditions. An algorithm developed to predict the effect of missense changes on protein structure and function (PolyPhen-2) suggests that this variant is likely to be tolerated. In summary, the available evidence is currently insufficient to determine the role of this variant in disease. Therefore, it has been classified as a Variant of Uncertain Significance.

Fulgent Genetics
Classification: Uncertain significance for Apparent mineralocorticoid excess. Last evaluated: 2024-01-02. Review status: criteria provided, single submitter. Criteria: ACMG Guidelines, 2015. Collection method: clinical testing. Allele origin: germline.

NM_000196.4(HSD11B2):c.997C>T (p.Arg333Trp)

Gene: HSD11B2 (hydroxysteroid 11-beta dehydrogenase 2; plus strand). Cytogenetic location: 16q22.1.
Variant type: single nucleotide variant.
Coding change: c.997C>T on transcript NM_000196.4 (MANE Select); coding-DNA position 997, C replaced by T.
Protein change: p.Arg333Trp; replaces arginine 333 with tryptophan.
Molecular consequence: missense variant.
Genome position (GRCh38, 1-based): chr16:67,436,782, C>T. VCF-style: chr16-67436782-C-T. GRCh37 (hg19) VCF-style: chr16-67470685-C-T.
Other names: short protein forms R333W.
Identifiers: ClinVar variation 2956670 (VCV002956670.4), dbSNP rs947889561, ClinGen allele CA282323450.
Genomic context (GRCh38, chr16:67,436,782, plus strand): 5'-CTGGCCATGTCCGACCTCACCCCAGTTGTAGATGCCATCACAGATGCGCTGCTGGCAGCT[C>T]GGCCCCGCCGCCGCTATTACCCCGGCCAGGGCCTGGGGCTCATGTACTTCATCCACTACT-3'
Protein context (NP_000187.3, residues 323-343): DAITDALLAA[Arg333Trp]PRRRYYPGQG